The following is an entry in ClinVar:

ClinVar aggregate classification (germline): Uncertain significance. Review status: criteria provided, single submitter (1 of 4 stars). 2 submissions from 2 submitters: Uncertain significance (1). 1 of the submissions does not count toward it. Last evaluated 2025-03-17.

Conditions:
Primary ciliary dyskinesia. Also called: Ciliary dyskinesia. Identifiers: Orphanet 244, MedGen C0008780, MONDO:0016575, HP:0012265.

Allele frequency attached by ClinVar (database versions not stated): gnomAD exomes 0.00001.
gnomAD v4.1: 4 of 1,614,044 alleles (0.00025%); highest among the groups gnomAD compares: Admixed American, 0.0033%; no homozygotes.

Submissions (2):

Labcorp Genetics (formerly Invitae), Labcorp
Classification: Uncertain significance for Primary ciliary dyskinesia. Last evaluated: 2025-03-17. Review status: criteria provided, single submitter. Criteria: Invitae Variant Classification Sherloc (09022015). Collection method: clinical testing. Allele origin: germline.
Comment: This sequence change replaces glycine, which is neutral and non-polar, with arginine, which is basic and polar, at codon 1686 of the DNAH5 protein (p.Gly1686Arg). This variant is present in population databases (no rsID available, gnomAD 0.006%). This variant has not been reported in the literature in individuals affected with DNAH5-related conditions. ClinVar contains an entry for this variant (Variation ID: 525435). Invitae Evidence Modeling of protein sequence and biophysical properties (such as structural, functional, and spatial information, amino acid conservation, physicochemical variation, residue mobility, and thermodynamic stability) indicates that this missense variant is not expected to disrupt DNAH5 protein function with a negative predictive value of 95%. In summary, the available evidence is currently insufficient to determine the role of this variant in disease. Therefore, it has been classified as a Variant of Uncertain Significance.

Natera, Inc.
Classification: Uncertain significance for Primary ciliary dyskinesia. Last evaluated: 2021-03-04. Review status: no assertion criteria provided. Collection method: clinical testing. Allele origin: germline. Not counted in ClinVar's aggregate classification.

NM_001369.3(DNAH5):c.5056G>A (p.Gly1686Arg)

Gene: DNAH5 (dynein axonemal heavy chain 5; minus strand). Cytogenetic location: 5p15.2.
Variant type: single nucleotide variant.
Coding change: c.5056G>A on transcript NM_001369.3 (MANE Select); coding-DNA position 5056, G replaced by A.
Protein change: p.Gly1686Arg; replaces glycine 1686 with arginine.
Molecular consequence: missense variant.
Genome position (GRCh38, 1-based): chr5:13,850,710, C>T on the plus strand (G>A on the coding strand, the complement: DNAH5 is on the minus strand). VCF-style: chr5-13850710-C-T. GRCh37 (hg19) VCF-style: chr5-13850819-C-T.
Other names: short protein forms G1686R.
Identifiers: ClinVar variation 525435 (VCV000525435.11), dbSNP rs1385680717, ClinGen allele CA359216943.
Genomic context (GRCh38, chr5:13,850,710, plus strand): 5'-ACCCAGTAAGGGATTTCTGGCATATTTCCAACTGGTCCAGCAAGTGTGGTAACAGCTGCC[C>T]CAGGGTCTCATCTCCAACACAGCACTGGACTACACTGGGCACTTCATGTGCCCGAGTCAT-3'
Protein context (NP_001360.1, residues 1676-1696): VQCCVGDETL[Gly1686Arg]QLLPHLLDQL